The following is an entry in ClinVar:

NM_000059.4(BRCA2):c.4817C>G (p.Ser1606Cys)

Gene: BRCA2 (BRCA2 DNA repair associated; plus strand). Cytogenetic location: 13q13.1.
Variant type: single nucleotide variant.
Coding change: c.4817C>G on transcript NM_000059.4 (MANE Select); coding-DNA position 4817, C replaced by G.
Protein change: p.Ser1606Cys; replaces serine 1606 with cysteine.
Molecular consequence: missense variant.
Genome position (GRCh38, 1-based): chr13:32,339,172, C>G. VCF-style: chr13-32339172-C-G. GRCh37 (hg19) VCF-style: chr13-32913309-C-G.
Other names: short protein forms S1606C.
Identifiers: ClinVar variation 232580 (VCV000232580.14), dbSNP rs876659853, ClinGen allele CA10579634.

ClinVar aggregate classification (germline): Conflicting classifications of pathogenicity. Review status: criteria provided, conflicting classifications (1 of 4 stars). 4 submissions from 4 submitters: Uncertain significance (3); Likely benign (1). Last evaluated 2026-05-01.

Conditions:
Hereditary cancer-predisposing syndrome. Also called: Neoplastic Syndromes, Hereditary; Hereditary Cancer Syndrome; Tumor predisposition; Hereditary neoplastic syndrome. Identifiers: Orphanet 140162, MedGen C0027672, MeSH D009386, MONDO:0015356.
Hereditary breast ovarian cancer syndrome. Also called: Hereditary breast and ovarian cancer; BRCA1- and BRCA2-Associated Hereditary Breast and Ovarian Cancer; Hereditary breast and ovarian cancer syndrome; Hereditary breast and ovarian cancer syndrome (HBOC); Breast and ovarian cancer; Hereditary breast and/or ovarian cancer syndrome. Identifiers: Orphanet 145, MedGen C0677776, MeSH D061325, MONDO:0003582. Disease mechanism: loss of function.

Allele frequency attached by ClinVar (database versions not stated): TOPMed below 0.00001.

Submissions (4):

Ambry Genetics
Classification: Uncertain significance for Hereditary cancer-predisposing syndrome. Last evaluated: 2026-05-01. Review status: criteria provided, single submitter. Criteria: Ambry Variant Classification Scheme 2023. Collection method: clinical testing. Allele origin: germline.

Labcorp Genetics (formerly Invitae), Labcorp
Classification: Uncertain significance for Hereditary breast ovarian cancer syndrome. Last evaluated: 2023-06-27. Review status: criteria provided, single submitter. Criteria: Invitae Variant Classification Sherloc (09022015). Collection method: clinical testing. Allele origin: germline.
Comment: In summary, the available evidence is currently insufficient to determine the role of this variant in disease. Therefore, it has been classified as a Variant of Uncertain Significance. Advanced modeling of protein sequence and biophysical properties (such as structural, functional, and spatial information, amino acid conservation, physicochemical variation, residue mobility, and thermodynamic stability) performed at Invitae indicates that this missense variant is not expected to disrupt BRCA2 protein function. ClinVar contains an entry for this variant (Variation ID: 232580). This variant has not been reported in the literature in individuals affected with BRCA2-related conditions. This variant is not present in population databases (gnomAD no frequency). This sequence change replaces serine, which is neutral and polar, with cysteine, which is neutral and slightly polar, at codon 1606 of the BRCA2 protein (p.Ser1606Cys).

Quest Diagnostics Nichols Institute San Juan Capistrano
Classification: Uncertain significance. Last evaluated: 2023-06-26. Review status: criteria provided, single submitter. Criteria: Quest Diagnostics criteria. Collection method: clinical testing. Allele origin: unknown.
Comment: In the published literature, this variant has been reported to be located in a region of the BRCA2 gene that is tolerant to missense sequence changes (PMID: 31911673 (2020)). This variant has not been reported in large, multi-ethnic general populations (Genome Aggregation Database). Analysis of this variant using bioinformatics tools for the prediction of the effect of amino acid changes on protein structure and function yielded predictions that this variant is benign. Based on the available information, we are unable to determine the clinical significance of this variant.

University of Washington Department of Laboratory Medicine, University of Washington
Classification: Likely benign for Hereditary cancer-predisposing syndrome. Last evaluated: 2023-03-23. Review status: criteria provided, single submitter. Criteria: Dines et al. (Genet Med. 2020). Collection method: curation. Allele origin: germline.
Comment: Missense variant in a coldspot region where missense variants are very unlikely to be pathogenic (PMID:31911673).

BRCA2 exon 11 coldspot. Reclassification based on statistical prior probability.

Literature cited by the submitters: PubMed 31911673 (cited by Quest Diagnostics Nichols Institute San Juan Capistrano).